The following is an entry in ClinVar:

NM_018474.6(KIZ):c.1157A>T (p.Asp386Val)

Gene: KIZ (kizuna centrosomal protein; plus strand). Cytogenetic location: 20p11.23.
Variant type: single nucleotide variant.
Coding change: c.1157A>T on transcript NM_018474.6 (MANE Select); coding-DNA position 1157, A replaced by T.
Protein change: p.Asp386Val; replaces aspartic acid 386 with valine.
Molecular consequence: missense variant.
Genome position (GRCh38, 1-based): chr20:21,162,964, A>T. VCF-style: chr20-21162964-A-T. GRCh37 (hg19) VCF-style: chr20-21143605-A-T.
Other names: c.848A>T, p.Asp283Val (NM_001163022.3, NM_001352435.2); c.758A>T, p.Asp253Val (NM_001163023.3); c.1010A>T, p.Asp337Val (NM_001276389.2); c.1157A>T, p.Asp386Val (NM_001352434.2); c.815A>T, p.Asp272Val (NM_001352436.2); short protein forms D253V, D272V, D386V, D283V, D337V.
Identifiers: ClinVar variation 2009949 (VCV002009949.4), dbSNP rs2519763774, ClinGen allele CA408493565.
Genomic context (GRCh38, chr20:21,162,964, plus strand): 5'-AAGAGGAGGAGGAAAGTTGGAGCACCAGCAGTGACCTTACCATTTCAATAAGTGAAGATG[A>T]TCTGATTTTAGAGAGCCCAGAACCACAGCCAAATCCAGGTGGCAAGATGGAGGGAGAAGA-3'
Protein context (NP_060944.3, residues 376-396): SDLTISISED[Asp386Val]LILESPEPQP

ClinVar aggregate classification (germline): Uncertain significance (1 of 4 stars; one submission).

Submission:

Labcorp Genetics (formerly Invitae), Labcorp
Classification: Uncertain significance. Last evaluated: 2022-07-06. Review status: criteria provided, single submitter. Criteria: Invitae Variant Classification Sherloc (09022015). Collection method: clinical testing. Allele origin: germline.
Comment: This variant has not been reported in the literature in individuals affected with KIZ-related conditions. In summary, the available evidence is currently insufficient to determine the role of this variant in disease. Therefore, it has been classified as a Variant of Uncertain Significance. Experimental studies and prediction algorithms are not available or were not evaluated, and the functional significance of this variant is currently unknown. This variant is not present in population databases (gnomAD no frequency). This sequence change replaces aspartic acid, which is acidic and polar, with valine, which is neutral and non-polar, at codon 386 of the KIZ protein (p.Asp386Val).